The following is an entry in ClinVar:

NM_000138.5(FBN1):c.5540G>A (p.Cys1847Tyr)

Gene: FBN1 (fibrillin 1; minus strand). Cytogenetic location: 15q21.1.
Variant type: single nucleotide variant.
Coding change: c.5540G>A on transcript NM_000138.5 (MANE Select); coding-DNA position 5540, G replaced by A.
Protein change: p.Cys1847Tyr; replaces cysteine 1847 with tyrosine.
Molecular consequence: missense variant.
Genome position (GRCh38, 1-based): chr15:48,452,567, C>T on the plus strand (G>A on the coding strand, the complement: FBN1 is on the minus strand). VCF-style: chr15-48452567-C-T. GRCh37 (hg19) VCF-style: chr15-48744764-C-T.
Other names: short protein forms C1847Y.
Identifiers: ClinVar variation 495623 (VCV000495623.5), dbSNP rs1555396185, ClinGen allele CA392343878.

ClinVar aggregate classification (germline): Pathogenic/Likely pathogenic. Review status: criteria provided, multiple submitters, no conflicts (2 of 4 stars). 2 submissions from 2 submitters: Pathogenic (1); Likely pathogenic (1). Last evaluated 2023-03-03.

Conditions:
Marfan Syndrome/Loeys-Dietz Syndrome/Familial Thoracic Aortic Aneurysms and Dissections. Identifiers: MedGen CN229799.
Marfan syndrome (MFS). Also called: MARFAN SYNDROME, TYPE I; FBN1-Related Marfan Syndrome; Marfan syndrome type 1; Marfan's syndrome; Marfan syndrome, classic. Identifiers: Orphanet 284963, Orphanet 558, MedGen C0024796, MONDO:0007947, OMIM 154700.
Familial thoracic aortic aneurysm and aortic dissection (TAAD). Also called: Thoracic aortic aneurysms and dissections. Identifiers: Orphanet 91387, MedGen C4707243, MONDO:0019625.

Submissions (2):

Labcorp Genetics (formerly Invitae), Labcorp
Classification: Pathogenic for Marfan syndrome; Familial thoracic aortic aneurysm and aortic dissection. Last evaluated: 2023-03-03. Review status: criteria provided, single submitter. Criteria: Invitae Variant Classification Sherloc (09022015). Collection method: clinical testing. Allele origin: germline.
Comment: This variant disrupts the p.Cys1847 amino acid residue in FBN1. Other variant(s) that disrupt this residue have been observed in individuals with FBN1-related conditions (PMID: 16835936, 17657824, 31098894, 33483584), which suggests that this may be a clinically significant amino acid residue. This variant affects a cysteine residue in the EGF-like, TGFBP or hybrid motif domains of FBN1. Cysteine residues are believed to be involved in intramolecular disulfide bridges and have been shown to be important for FBN1 protein structure (PMID: 16905551, 19349279). In addition, missense substitutions affecting cysteine residues within these domains are significantly overrepresented among patients with Marfan syndrome (PMID: 16571647, 17701892). Advanced modeling of protein sequence and biophysical properties (such as structural, functional, and spatial information, amino acid conservation, physicochemical variation, residue mobility, and thermodynamic stability) performed at Invitae indicates that this missense variant is expected to disrupt FBN1 protein function. ClinVar contains an entry for this variant (Variation ID: 495623). This variant has not been reported in the literature in individuals affected with FBN1-related conditions. This variant is not present in population databases (gnomAD no frequency). This sequence change replaces cysteine, which is neutral and slightly polar, with tyrosine, which is neutral and polar, at codon 1847 of the FBN1 protein (p.Cys1847Tyr). For these reasons, this variant has been classified as Pathogenic.

Women's Health and Genetics/Laboratory Corporation of America, LabCorp
Classification: Likely pathogenic for Marfan Syndrome/Loeys-Dietz Syndrome/Familial Thoracic Aortic Aneurysms and Dissections. Last evaluated: 2019-10-08. Review status: criteria provided, single submitter. Criteria: LabCorp Variant Classification Summary - May 2015. Collection method: clinical testing. Allele origin: germline. Inheritance: Autosomal dominant inheritance.
Comment: FBN1 c.5540G>A (p.Cys1847Tyr) is a non-conservative amino acid change in the EGF-like calcium-binding domain. Five in-silico tools predict a damaging effect. Absent in 251258 controls. No occurrence in affected individuals and no experimental evidence reported. Other missense changes p.Cys1847Arg (c.5539T>C) (PMID 16835936), p.Cys1847Trp (c.5541C>G) (PMID 17657824 and UMD). p.Cys1847Phe (c.5540G>T) (PMID 27611364) reported in patients with Marfan syndrome, suggesting a mutational hotspot. De-novo mutations affecting or creating cysteine residues in EGF consensus sequence among the criteria for a causal FBN1 mutation in revised Ghent criteria (Loeys, BL et al, 2010). Based on the evidence outlined above, c.5540G>A was re-classified as likely pathogenic.

Literature cited by the submitters: PubMed 16835936 (cited by Labcorp Genetics (formerly Invitae), Labcorp); PubMed 17657824 (cited by Labcorp Genetics (formerly Invitae), Labcorp); PubMed 31098894 (cited by Labcorp Genetics (formerly Invitae), Labcorp); PubMed 33483584 (cited by Labcorp Genetics (formerly Invitae), Labcorp); PubMed 16905551 (cited by Labcorp Genetics (formerly Invitae), Labcorp); PubMed 19349279 (cited by Labcorp Genetics (formerly Invitae), Labcorp); PubMed 16571647 (cited by Labcorp Genetics (formerly Invitae), Labcorp); PubMed 17701892 (cited by Labcorp Genetics (formerly Invitae), Labcorp).